The following is an entry in ClinVar:

NM_015627.3(LDLRAP1):c.66G>C (p.Trp22Cys)

Genes: LDLRAP1 (low density lipoprotein receptor adaptor protein 1; plus strand), LOC129929773 (ATAC-STARR-seq lymphoblastoid silent region 456; plus strand). Cytogenetic location: 1p36.11.
Variant type: single nucleotide variant.
Coding change: c.66G>C on transcript NM_015627.3 (MANE Select); coding-DNA position 66, G replaced by C.
Protein change: p.Trp22Cys; replaces tryptophan 22 with cysteine.
Molecular consequence: missense variant.
Genome position (GRCh38, 1-based): chr1:25,543,764, G>C. VCF-style: chr1-25543764-G-C. GRCh37 (hg19) VCF-style: chr1-25870255-G-C.
Other names: short protein forms W22C.
Identifiers: ClinVar variation 1754988 (VCV001754988.3), dbSNP rs532723373, ClinGen allele CA19669467.

ClinVar aggregate classification (germline): Uncertain significance. Review status: criteria provided, multiple submitters, no conflicts (2 of 4 stars). 2 submissions from 2 submitters: Uncertain significance (2). Last evaluated 2026-09-21.

Conditions:
Cardiovascular phenotype. Identifiers: MedGen CN230736.

gnomAD v4.1: 25 of 1,209,724 alleles (0.0021%); highest among the groups gnomAD compares: African/African-American, 0.0032%; no homozygotes.

Submissions (2):

Molecular Diagnostic Laboratory for Inherited Cardiovascular Disease, Montreal Heart Institute
Classification: Uncertain significance for Cardiovascular phenotype. Last evaluated: 2026-09-21. Review status: criteria provided, single submitter. Criteria: ACMG Guidelines, 2015. Collection method: clinical testing. Allele origin: germline. Affected: yes.
Comment: PM2, BP1

Ambry Genetics
Classification: Uncertain significance for Cardiovascular phenotype. Last evaluated: 2022-09-05. Review status: criteria provided, single submitter. Criteria: Ambry Variant Classification Scheme 2023. Collection method: clinical testing. Allele origin: germline.
Comment: The p.W22C variant (also known as c.66G>C), located in coding exon 1 of the LDLRAP1 gene, results from a G to C substitution at nucleotide position 66. The tryptophan at codon 22 is replaced by cysteine, an amino acid with highly dissimilar properties. This amino acid position is conserved. In addition, this alteration is predicted to be tolerated by in silico analysis. Since supporting evidence is limited at this time, the clinical significance of this alteration remains unclear.